The following is an entry in ClinVar:

ClinVar aggregate classification (germline): Uncertain significance (1 of 4 stars; one submission).

Allele frequency attached by ClinVar (database versions not stated): gnomAD exomes below 0.00001; ExAC 0.00001; TOPMed 0.00001; gnomAD 0.00002.

Submission:

Labcorp Genetics (formerly Invitae), Labcorp
Classification: Uncertain significance. Last evaluated: 2023-01-25. Review status: criteria provided, single submitter. Criteria: Invitae Variant Classification Sherloc (09022015). Collection method: clinical testing. Allele origin: germline.
Comment: In summary, the available evidence is currently insufficient to determine the role of this variant in disease. Therefore, it has been classified as a Variant of Uncertain Significance. Algorithms developed to predict the effect of sequence changes on RNA splicing suggest that this variant may create or strengthen a splice site. Algorithms developed to predict the effect of missense changes on protein structure and function are either unavailable or do not agree on the potential impact of this missense change (SIFT: "Tolerated"; PolyPhen-2: "Probably Damaging"; Align-GVGD: "Class C0"). This variant has not been reported in the literature in individuals affected with TUBGCP6-related conditions. This variant is present in population databases (rs747943188, gnomAD 0.0009%). This sequence change replaces lysine, which is basic and polar, with arginine, which is basic and polar, at codon 1564 of the TUBGCP6 protein (p.Lys1564Arg).

NM_020461.4(TUBGCP6):c.4691A>G (p.Lys1564Arg)

Gene: TUBGCP6 (tubulin gamma complex component 6; minus strand). Cytogenetic location: 22q13.33.
Variant type: single nucleotide variant.
Coding change: c.4691A>G on transcript NM_020461.4 (MANE Select); coding-DNA position 4691, A replaced by G.
Protein change: p.Lys1564Arg; replaces lysine 1564 with arginine.
Molecular consequence: missense variant.
Genome position (GRCh38, 1-based): chr22:50,218,833, T>C on the plus strand (A>G on the coding strand, the complement: TUBGCP6 is on the minus strand). VCF-style: chr22-50218833-T-C. GRCh37 (hg19) VCF-style: chr22-50657262-T-C.
Other names: short protein forms K1564R.
Identifiers: ClinVar variation 2874054 (VCV002874054.1), dbSNP rs747943188, ClinGen allele CA10307379.